The following is an entry in ClinVar:

ClinVar aggregate classification (germline): Uncertain significance. Review status: criteria provided, multiple submitters, no conflicts (2 of 4 stars). 2 submissions from 2 submitters: Uncertain significance (2). Last evaluated 2025-03-11.

Conditions:
Inborn genetic diseases. Identifiers: MedGen C0950123, MeSH D030342.

gnomAD v4.1: 3 of 1,614,156 alleles (0.00019%); highest among the groups gnomAD compares: South Asian, 0.0022%; no homozygotes.

Submissions (2):

Labcorp Genetics (formerly Invitae), Labcorp
Classification: Uncertain significance. Last evaluated: 2025-03-11. Review status: criteria provided, single submitter. Criteria: Invitae Variant Classification Sherloc (09022015). Collection method: clinical testing. Allele origin: germline.
Comment: This sequence change replaces proline, which is neutral and non-polar, with arginine, which is basic and polar, at codon 430 of the MBD4 protein (p.Pro430Arg). This variant is not present in population databases (gnomAD no frequency). This variant has not been reported in the literature in individuals affected with MBD4-related conditions. ClinVar contains an entry for this variant (Variation ID: 2549415). An algorithm developed to predict the effect of missense changes on protein structure and function (PolyPhen-2) suggests that this variant is likely to be disruptive. In summary, the available evidence is currently insufficient to determine the role of this variant in disease. Therefore, it has been classified as a Variant of Uncertain Significance.

Ambry Genetics
Classification: Uncertain significance for Inborn genetic diseases. Last evaluated: 2023-05-22. Review status: criteria provided, single submitter. Criteria: Ambry Variant Classification Scheme 2023. Collection method: clinical testing. Allele origin: germline.

NM_001276270.2(MBD4):c.1271C>G (p.Pro424Arg)

Gene: MBD4 (methyl-CpG binding domain 4, DNA glycosylase; minus strand). Cytogenetic location: 3q21.3.
Variant type: single nucleotide variant.
Coding change: c.1271C>G on transcript NM_001276270.2 (MANE Select); coding-DNA position 1271, C replaced by G.
Protein change: p.Pro424Arg; replaces proline 424 with arginine.
Molecular consequence: missense variant.
Genome position (GRCh38, 1-based): chr3:129,433,972, G>C on the plus strand (C>G on the coding strand, the complement: MBD4 is on the minus strand). VCF-style: chr3-129433972-G-C. GRCh37 (hg19) VCF-style: chr3-129152815-G-C.
Other names: c.1289C>G, p.Pro430Arg (NM_001276271.2, NM_001276272.2, NM_003925.3); c.335C>G, p.Pro112Arg (NM_001276273.2); short protein forms P430R, P424R, P112R.
Identifiers: ClinVar variation 2549415 (VCV002549415.5), dbSNP rs772947874, ClinGen allele CA354466083.